The following is an entry in ClinVar:

ClinVar aggregate classification (germline): Likely benign. Review status: criteria provided, multiple submitters, no conflicts (2 of 4 stars). 3 submissions from 3 submitters: Likely benign (2). 1 of the submissions does not count toward it. Last evaluated 2022-07-12.

Conditions:
Bardet-Biedl syndrome (BBS). Identifiers: Orphanet 110, MedGen C0752166, MONDO:0015229.
WDPCP-related disorder. Also called: WDPCP-related condition.

Allele frequency attached by ClinVar (database versions not stated): TOPMed below 0.00001; ExAC 0.00001; gnomAD 0.00001.
gnomAD v4.1: 4 of 1,612,288 alleles (0.00025%); highest among the groups gnomAD compares: African/African-American, 0.0013%; no homozygotes.

Submissions (3):

Labcorp Genetics (formerly Invitae), Labcorp
Classification: Likely benign for Bardet-Biedl syndrome. Last evaluated: 2022-07-12. Review status: criteria provided, single submitter. Criteria: Invitae Variant Classification Sherloc (09022015). Collection method: clinical testing. Allele origin: germline.

Blueprint Genetics
Classification: Likely benign. Last evaluated: 2020-04-07. Review status: criteria provided, single submitter. Criteria: ACMG Guidelines, 2015. Collection method: clinical testing. Allele origin: germline.

PreventionGenetics, part of Exact Sciences
Classification: Likely benign for WDPCP-related condition. Last evaluated: 2023-07-12. Review status: no assertion criteria provided. Collection method: clinical testing. Allele origin: germline. Not counted in ClinVar's aggregate classification.
Comment: This variant is classified as likely benign based on ACMG/AMP sequence variant interpretation guidelines (Richards et al. 2015 PMID: 25741868, with internal and published modifications).

NM_015910.7(WDPCP):c.1846T>C (p.Leu616=)

Gene: WDPCP (WD repeat containing planar cell polarity effector; minus strand). Cytogenetic location: 2p15.
Variant type: single nucleotide variant.
Coding change: c.1846T>C on transcript NM_015910.7 (MANE Select); coding-DNA position 1846, T replaced by C.
Protein change: p.Leu616=; no amino-acid change (leucine 616 retained).
Molecular consequence: synonymous variant. On other transcripts: non-coding transcript variant (2).
Genome position (GRCh38, 1-based): chr2:63,259,376, A>G on the plus strand (T>C on the coding strand, the complement: WDPCP is on the minus strand). VCF-style: chr2-63259376-A-G. GRCh37 (hg19) VCF-style: chr2-63486511-A-G.
Other names: c.1369T>C, p.Leu457= (NM_001042692.3); c.1774T>C, p.Leu592= (NM_001354044.2); c.1846T>C (NM_015910.5).
Identifiers: ClinVar variation 2082162 (VCV002082162.6), dbSNP rs779790542, ClinGen allele CA1682084.